The following is an entry in ClinVar:

NM_006904.7(PRKDC):c.1325A>T (p.Gln442Leu)

Gene: PRKDC (protein kinase, DNA-activated, catalytic subunit; minus strand). Cytogenetic location: 8q11.21.
Variant type: single nucleotide variant.
Coding change: c.1325A>T on transcript NM_006904.7 (MANE Select); coding-DNA position 1325, A replaced by T.
Protein change: p.Gln442Leu; replaces glutamine 442 with leucine.
Molecular consequence: missense variant.
Genome position (GRCh38, 1-based): chr8:47,935,854, T>A on the plus strand (A>T on the coding strand, the complement: PRKDC is on the minus strand). VCF-style: chr8-47935854-T-A. GRCh37 (hg19) VCF-style: chr8-48848414-T-A.
Other names: c.1325A>T, p.Gln442Leu (NM_001081640.2); short protein forms Q442L.
Identifiers: ClinVar variation 3225741 (VCV003225741.1), dbSNP rs2551879560, ClinGen allele CA371165923.

ClinVar aggregate classification (germline): Uncertain significance (1 of 4 stars; one submission).

Submission:

Ambry Genetics
Classification: Uncertain significance. Last evaluated: 2024-02-20. Review status: criteria provided, single submitter. Criteria: Ambry Variant Classification Scheme 2023. Collection method: clinical testing. Allele origin: germline.
Comment: The p.Q442L variant (also known as c.1325A>T), located in coding exon 13 of the PRKDC gene, results from an A to T substitution at nucleotide position 1325. The glutamine at codon 442 is replaced by leucine, an amino acid with dissimilar properties. This amino acid position is conserved. In addition, this alteration is predicted to be tolerated by in silico analysis. Based on the available evidence, the clinical significance of this alteration remains unclear.